The following is an entry in ClinVar:

ClinVar aggregate classification (germline): Uncertain significance. Review status: criteria provided, multiple submitters, no conflicts (2 of 4 stars). 3 submissions from 3 submitters: Uncertain significance (3). Last evaluated 2026-07-24.

Conditions:
Intellectual developmental disorder, autosomal dominant 52. Also called: Intellectual disability, autosomal dominant 52; Mental retardation, autosomal dominant 52. Identifiers: MedGen C4540478, MONDO:0030918, OMIM 617796.

Allele frequency attached by ClinVar (database versions not stated): gnomAD 0.00001.
gnomAD v4.1: 1 of 1,614,110 alleles (0.000062%); highest among the groups gnomAD compares: African/African-American, 0.0013%; no homozygotes.

Submissions (3):

GeneDx
Classification: Uncertain significance. Last evaluated: 2026-07-24. Review status: criteria provided, single submitter. Criteria: GeneDx Variant Classification Process June 2021. Collection method: clinical testing. Allele origin: germline.
Comment: Not observed at significant frequency in large population cohorts (gnomAD); In silico analysis suggests that this missense variant does not alter protein structure/function; Has not been previously published as pathogenic or benign to our knowledge

Genome-Nilou Lab
Classification: Uncertain significance for Intellectual developmental disorder, autosomal dominant 52. Last evaluated: 2023-04-11. Review status: criteria provided, single submitter. Criteria: ACMG Guidelines, 2015. Collection method: clinical testing. Allele origin: germline. Affected: no.

New York Genome Center
Classification: Uncertain significance for Intellectual developmental disorder, autosomal dominant 52. Last evaluated: 2020-02-03. Review status: criteria provided, single submitter. Criteria: NYGC Assertion Criteria 2020. Collection method: clinical testing. Allele origin: germline. Observed: 1 heterozygote. Study: CSER-NYCKidSeq.

NM_018489.3(ASH1L):c.4839C>G (p.Ser1613Arg)

Gene: ASH1L (ASH1 like histone lysine methyltransferase; minus strand). Cytogenetic location: 1q22.
Variant type: single nucleotide variant.
Coding change: c.4839C>G on transcript NM_018489.3 (MANE Select); coding-DNA position 4839, C replaced by G.
Protein change: p.Ser1613Arg; replaces serine 1613 with arginine.
Molecular consequence: missense variant.
Genome position (GRCh38, 1-based): chr1:155,478,031, G>C on the plus strand (C>G on the coding strand, the complement: ASH1L is on the minus strand). VCF-style: chr1-155478031-G-C. GRCh37 (hg19) VCF-style: chr1-155447822-G-C.
Other names: c.4839C>G, p.Ser1613Arg (NM_001366177.2); short protein forms S1613R.
Identifiers: ClinVar variation 983364 (VCV000983364.6), dbSNP rs1665688637, ClinGen allele CA342697736.